The following is an entry in ClinVar:

NM_003060.4(SLC22A5):c.296C>T (p.Pro99Leu)

Gene: SLC22A5 (solute carrier family 22 member 5; plus strand). Cytogenetic location: 5q31.1.
Variant type: single nucleotide variant.
Coding change: c.296C>T on transcript NM_003060.4 (MANE Select); coding-DNA position 296, C replaced by T.
Protein change: p.Pro99Leu; replaces proline 99 with leucine.
Molecular consequence: missense variant.
Genome position (GRCh38, 1-based): chr5:132,370,268, C>T. VCF-style: chr5-132370268-C-T. GRCh37 (hg19) VCF-style: chr5-131705960-C-T.
Other names: c.296C>T, p.Pro99Leu (NM_001308122.2); short protein forms P99L.
Identifiers: ClinVar variation 1359678 (VCV001359678.8), dbSNP rs2126765457, ClinGen allele CA360802757.
Genomic context (GRCh38, chr5:132,370,268, plus strand): 5'-ACAGCTGCCGCCGCTACCGGCTCGCCACCATCGCCAACTTCTCGGCGCTTGGGCTGGAGC[C>T]GGGGCGCGACGTGGACCTGGGGCAGCTGGAGCAGGAGAGCTGTCTGGATGGCTGGGAGTT-3'
Protein context (NP_003051.1, residues 89-109): IANFSALGLE[Pro99Leu]GRDVDLGQLE

ClinVar aggregate classification (germline): Uncertain significance (1 of 4 stars; one submission).

Conditions:
Renal carnitine transport defect (CDSP). Also called: Carnitine Deficiency, Systemic; Systemic primary carnitine deficiency disease; CARNITINE DEFICIENCY, SYSTEMIC, DUE TO DEFECT IN RENAL REABSORPTION OF CARNITINE; CARNITINE TRANSPORTER, PLASMA-MEMBRANE, DEFICIENCY OF; CARNITINE UPTAKE DEFECT; Primary carnitine deficiency. Identifiers: Orphanet 158, MedGen C0342788, MONDO:0008919, OMIM 212140.

Allele frequency attached by ClinVar (database versions not stated): gnomAD exomes below 0.00001.
gnomAD v4.1: 1 of 1,594,208 alleles (0.000063%); highest among the groups gnomAD compares: African/African-American, 0.0013%; no homozygotes.

Submission:

Labcorp Genetics (formerly Invitae), Labcorp
Classification: Uncertain significance for Renal carnitine transport defect. Last evaluated: 2024-06-12. Review status: criteria provided, single submitter. Criteria: Invitae Variant Classification Sherloc (09022015). Collection method: clinical testing. Allele origin: germline.
Comment: This sequence change replaces proline, which is neutral and non-polar, with leucine, which is neutral and non-polar, at codon 99 of the SLC22A5 protein (p.Pro99Leu). This variant is not present in population databases (gnomAD no frequency). This variant has not been reported in the literature in individuals affected with SLC22A5-related conditions. ClinVar contains an entry for this variant (Variation ID: 1359678). Advanced modeling of protein sequence and biophysical properties (such as structural, functional, and spatial information, amino acid conservation, physicochemical variation, residue mobility, and thermodynamic stability) performed at Invitae indicates that this missense variant is expected to disrupt SLC22A5 protein function with a positive predictive value of 95%. In summary, the available evidence is currently insufficient to determine the role of this variant in disease. Therefore, it has been classified as a Variant of Uncertain Significance.